The following is an entry in ClinVar:

NM_002878.4(RAD51D):c.313del (p.Ile105fs)

Genes: RAD51L3-RFFL (RAD51L3-RFFL readthrough; minus strand), RAD51D (RAD51 paralog D; minus strand). Cytogenetic location: 17q12.
Variant type: Deletion.
Coding change: c.313del on transcript NM_002878.4 (MANE Select); coding-DNA position 313, one base deleted (A; older notation c.313delA).
Protein change: p.Ile105fs; shifts the reading frame from isoleucine 105.
Molecular consequence: frameshift variant. On other transcripts: non-coding transcript variant (2), intron variant (1).
Genome position (GRCh38, 1-based): chr17:35,107,398, T deleted on the plus strand (A on the coding strand, the reverse complement: RAD51D is on the minus strand); the first of 3 consecutive T bases (chr17:35,107,398-35,107,400); deleting any one gives the same sequence. VCF-style (leftmost placement, unchanged base first): chr17-35107397-AT-A. GRCh37 (hg19) VCF-style: chr17-33434416-AT-A.
Other names: c.373del, p.Ile125fs (NM_001142571.2); c.145-917del (NM_133629.3); short protein forms I125fs, I105fs.
Identifiers: ClinVar variation 3148538 (VCV003148538.1), dbSNP rs2509142747, ClinGen allele CA2576231952.

ClinVar aggregate classification (germline): Pathogenic (1 of 4 stars; one submission).

Conditions:
Breast-ovarian cancer, familial, susceptibility to, 4. Identifiers: Orphanet 145, MedGen C3280345, MONDO:0013669, OMIM 614291.

Submission:

Myriad Genetics, Inc.
Classification: Pathogenic for Breast-ovarian cancer, familial, susceptibility to, 4. Last evaluated: 2024-01-04. Review status: criteria provided, single submitter. Criteria: Myriad Autosomal Dominant, Autosomal Recessive and X-Linked Classification Criteria (2023). Collection method: clinical testing. Allele origin: unknown.
Comment: This variant is considered pathogenic. This variant creates a frameshift predicted to result in premature protein truncation.